The following is an entry in ClinVar:

NM_022168.4(IFIH1):c.896G>T (p.Arg299Ile)

Gene: IFIH1 (interferon induced with helicase C domain 1; minus strand). Cytogenetic location: 2q24.2.
Variant type: single nucleotide variant.
Coding change: c.896G>T on transcript NM_022168.4 (MANE Select); coding-DNA position 896, G replaced by T.
Protein change: p.Arg299Ile; replaces arginine 299 with isoleucine.
Molecular consequence: missense variant.
Genome position (GRCh38, 1-based): chr2:162,288,334, C>A on the plus strand (G>T on the coding strand, the complement: IFIH1 is on the minus strand). VCF-style: chr2-162288334-C-A. GRCh37 (hg19) VCF-style: chr2-163144844-C-A.
Other names: short protein forms R299I.
Identifiers: ClinVar variation 1719595 (VCV001719595.5), dbSNP rs2468971560, ClinGen allele CA349004955.
Genomic context (GRCh38, chr2:162,288,334, plus strand): 5'-GCTGGCTGGGCAACTTCCATTTGGTAAGGCCTGAGCTGGAGTTCTGGCTCCGGGGATGCT[C>A]TTGCTGCCACATTCTCTTCATCTGAAGAAGGTTGAAAAGAAAAATAAGAGAAGGGACAAC-3'
Protein context (NP_071451.2, residues 289-309): SDSDEENVAA[Arg299Ile]ASPEPELQLR

ClinVar aggregate classification (germline): Uncertain significance (1 of 4 stars; one submission).

Conditions:
Singleton-Merten syndrome 1 (SGMRT1). Also called: Syndrome of widened medullary cavities of the metacarpals and phalanges, aortic calcification and abnormal dentition; Widened medullary cavities of bone, aortic calcification, abnormal dentition, and muscular weakness. Identifiers: Orphanet 85191, MedGen C4225427, MONDO:0024535, OMIM 182250.
Aicardi-Goutieres syndrome 7 (AGS7). Identifiers: Orphanet 51, MedGen C3888244, MONDO:0014367, OMIM 615846.

Submission:

Labcorp Genetics (formerly Invitae), Labcorp
Classification: Uncertain significance for Aicardi-Goutieres syndrome 7; Singleton-Merten syndrome 1. Last evaluated: 2022-12-16. Review status: criteria provided, single submitter. Criteria: Invitae Variant Classification Sherloc (09022015). Collection method: clinical testing. Allele origin: germline.
Comment: In summary, the available evidence is currently insufficient to determine the role of this variant in disease. Therefore, it has been classified as a Variant of Uncertain Significance. Advanced modeling of protein sequence and biophysical properties (such as structural, functional, and spatial information, amino acid conservation, physicochemical variation, residue mobility, and thermodynamic stability) has been performed at Invitae for this missense variant, however the output from this modeling did not meet the statistical confidence thresholds required to predict the impact of this variant on IFIH1 protein function. ClinVar contains an entry for this variant (Variation ID: 1719595). This missense change has been observed in at least one individual who was not affected with IFIH1-related conditions (Invitae). This variant has not been reported in the literature in individuals affected with IFIH1-related conditions. This variant is not present in population databases (gnomAD no frequency). This sequence change replaces arginine, which is basic and polar, with isoleucine, which is neutral and non-polar, at codon 299 of the IFIH1 protein (p.Arg299Ile).